The following is an entry in ClinVar:

NM_006282.5(STK4):c.934G>A (p.Val312Met)

Gene: STK4 (serine/threonine kinase 4; plus strand). Cytogenetic location: 20q13.12.
Variant type: single nucleotide variant.
Coding change: c.934G>A on transcript NM_006282.5 (MANE Select); coding-DNA position 934, G replaced by A.
Protein change: p.Val312Met; replaces valine 312 with methionine.
Molecular consequence: missense variant.
Genome position (GRCh38, 1-based): chr20:45,000,494, G>A. VCF-style: chr20-45000494-G-A. GRCh37 (hg19) VCF-style: chr20-43629135-G-A.
Other names: p.Val312Met; c.934G>A, p.Val312Met (NM_001352385.2); short protein forms V312M.
Identifiers: ClinVar variation 1169470 (VCV001169470.16), dbSNP rs17420378, ClinGen allele CA9873930.

ClinVar aggregate classification (germline): Benign/Likely benign. Review status: criteria provided, multiple submitters, no conflicts (2 of 4 stars). 6 submissions from 6 submitters: Benign (5); Likely benign (1). Last evaluated 2026-02-04.

Conditions:
Combined immunodeficiency due to STK4 deficiency (IMD110). Also called: T-cell immunodeficiency, recurrent infections, and autoimmunity with or without cardiac malformations; STK4 DEFICIENCY; MST1 DEFICIENCY. Identifiers: Orphanet 314689, MedGen C3553943, MONDO:0013934, OMIM 614868.

Allele frequency attached by ClinVar (database versions not stated): 1000 Genomes Project 0.16953; TOPMed 0.22985; gnomAD exomes 0.26295; ExAC 0.26383; 1000 Genomes Project 30x 0.17208; gnomAD 0.25016 and 0.25305; ESP Exome Variant Server 0.25819.
gnomAD v4.1: 453,977 of 1,613,508 alleles (28%); highest among the groups gnomAD compares: Middle Eastern, 35%; 68,167 homozygotes.

Submissions (6):

Labcorp Genetics (formerly Invitae), Labcorp
Classification: Benign for Combined immunodeficiency due to STK4 deficiency. Last evaluated: 2026-02-04. Review status: criteria provided, single submitter. Criteria: Invitae Variant Classification Sherloc (09022015). Collection method: clinical testing. Allele origin: germline.

Women's Health and Genetics/Laboratory Corporation of America, LabCorp
Classification: Likely benign. Last evaluated: 2026-01-21. Review status: criteria provided, single submitter. Criteria: LabCorp Variant Classification Summary - May 2015. Collection method: clinical testing. Allele origin: germline.

Unidad de Genómica Garrahan, Hospital de Pediatría Garrahan
Classification: Benign. Last evaluated: 2023-11-12. Review status: criteria provided, single submitter. Criteria: ACMG Guidelines, 2015. Collection method: clinical testing. Allele origin: germline. Affected: no. Observed: 41 variant alleles.
Comment: This variant is classified as Benign based on local population frequency. This variant was detected in 43% of patients studied by a panel of primary immunodeficiencies. Number of patients: 41. Only high quality variants are reported.

Mayo Clinic Laboratories, Mayo Clinic
Classification: Benign. Last evaluated: 2023-06-07. Review status: criteria provided, single submitter. Criteria: ACMG Guidelines, 2015. Collection method: clinical testing. Allele origin: germline. Observed: 131 variant alleles.

Genome-Nilou Lab
Classification: Benign for Combined immunodeficiency due to STK4 deficiency. Last evaluated: 2021-07-15. Review status: criteria provided, single submitter. Criteria: ACMG Guidelines, 2015. Collection method: clinical testing. Allele origin: germline. Affected: no.

Breakthrough Genomics
Classification: Benign. Review status: criteria provided, single submitter. Criteria: ACMG Guidelines, 2015. Collection method: not provided. Allele origin: germline. Inheritance: Unknown mechanism. Affected: yes.